The following is an entry in ClinVar:

NM_001369.3(DNAH5):c.3556G>T (p.Glu1186Ter)

Genes: DNAH5 (dynein axonemal heavy chain 5; minus strand), DNAH5-AS1 (DNAH5 antisense RNA 1; plus strand). Cytogenetic location: 5p15.2.
Variant type: single nucleotide variant.
Coding change: c.3556G>T on transcript NM_001369.3 (MANE Select); coding-DNA position 3556, G replaced by T.
Protein change: p.Glu1186Ter; replaces glutamic acid 1186 with a stop codon.
Molecular consequence: nonsense.
Genome position (GRCh38, 1-based): chr5:13,871,606, C>A on the plus strand (G>T on the coding strand, the complement: DNAH5 is on the minus strand). VCF-style: chr5-13871606-C-A. GRCh37 (hg19) VCF-style: chr5-13871715-C-A.
Other names: short protein forms E1186*.
Identifiers: ClinVar variation 5014947 (VCV005014947.1).

ClinVar aggregate classification (germline): Pathogenic (1 of 4 stars; one submission).

Conditions:
Primary ciliary dyskinesia 3. Identifiers: Orphanet 244, MedGen C1837618, MONDO:0012085, OMIM 608644.

Submission:

Myriad Genetics, Inc.
Classification: Pathogenic for Primary ciliary dyskinesia 3. Last evaluated: 2025-09-07. Review status: criteria provided, single submitter. Criteria: Myriad Autosomal Dominant, Autosomal Recessive and X-Linked Classification Criteria (2023). Collection method: clinical testing. Allele origin: unknown.
Comment: NM_001369.2(DNAH5):c.3556G>T(E1186*) is expected to be pathogenic in the context of primary ciliary dyskinesia, DNAH5-related. This variant is predicted to lead to an abnormal or absent protein product due to the creation of a premature termination codon in DNAH5, a gene where loss-of-function variants are known to be pathogenic. Please note: this variant was assessed in the context of healthy population screening.